The following is an entry in ClinVar:

ClinVar aggregate classification (germline): Uncertain significance (1 of 4 stars; one submission).

gnomAD v4.1: 7 of 1,210,386 alleles (0.00058%); highest among the groups gnomAD compares: African/African-American, 0.0047%; no homozygotes.

Submission:

Labcorp Genetics (formerly Invitae), Labcorp
Classification: Uncertain significance. Last evaluated: 2022-11-24. Review status: criteria provided, single submitter. Criteria: Invitae Variant Classification Sherloc (09022015). Collection method: clinical testing. Allele origin: germline.
Comment: Algorithms developed to predict the effect of missense changes on protein structure and function (SIFT, PolyPhen-2, Align-GVGD) all suggest that this variant is likely to be tolerated. In summary, the available evidence is currently insufficient to determine the role of this variant in disease. Therefore, it has been classified as a Variant of Uncertain Significance. This sequence change replaces proline, which is neutral and non-polar, with arginine, which is basic and polar, at codon 79 of the PDE4D protein (p.Pro79Arg). This variant is not present in population databases (gnomAD no frequency). This variant has not been reported in the literature in individuals affected with PDE4D-related conditions. ClinVar contains an entry for this variant (Variation ID: 1488037).

NM_001104631.2(PDE4D):c.236C>G (p.Pro79Arg)

Gene: PDE4D (phosphodiesterase 4D; minus strand). Cytogenetic location: 5q12.1.
Variant type: single nucleotide variant.
Coding change: c.236C>G on transcript NM_001104631.2 (MANE Select); coding-DNA position 236, C replaced by G.
Protein change: p.Pro79Arg; replaces proline 79 with arginine.
Molecular consequence: missense variant. On other transcripts: intron variant (5).
Genome position (GRCh38, 1-based): chr5:59,893,387, G>C on the plus strand (C>G on the coding strand, the complement: PDE4D is on the minus strand). VCF-style: chr5-59893387-G-C. GRCh37 (hg19) VCF-style: chr5-59189214-G-C.
Other names: c.272+95101C>G (NM_001364599.1, NM_001165899.2, NM_001364600.2); c.-240+95101C>G (NM_001349243.2); c.242+95101C>G (NM_001349241.2); short protein forms P79R.
Identifiers: ClinVar variation 1488037 (VCV001488037.8), dbSNP rs925784488, ClinGen allele CA359932796.